The following is an entry in ClinVar:

ClinVar aggregate classification (germline): Likely benign. Review status: criteria provided, single submitter (1 of 4 stars). 2 submissions from 2 submitters: Likely benign (1). 1 of the submissions does not count toward it. Last evaluated 2023-03-01.

Conditions:
NAV2-related disorder. Also called: NAV2-related condition.

Allele frequency attached by ClinVar (database versions not stated): ExAC 0.00054; 1000 Genomes Project 30x 0.00078; 1000 Genomes Project 0.00080; TOPMed 0.00183; ESP Exome Variant Server 0.00208.
gnomAD v4.1: 490 of 1,614,172 alleles (0.03%); highest among the groups gnomAD compares: African/African-American, 0.53%; 3 homozygotes.

Submissions (2):

CeGaT Center for Human Genetics Tuebingen
Classification: Likely benign. Last evaluated: 2023-03-01. Review status: criteria provided, single submitter. Criteria: CeGaT Center For Human Genetics Tuebingen Variant Classification Criteria Version 2. Collection method: clinical testing. Allele origin: germline. Affected: yes. Observed: 1 variant allele.
Comment: NAV2: BS2

PreventionGenetics, part of Exact Sciences
Classification: Likely benign for NAV2-related condition. Last evaluated: 2019-11-26. Review status: no assertion criteria provided. Collection method: clinical testing. Allele origin: germline. Not counted in ClinVar's aggregate classification.
Comment: This variant is classified as likely benign based on ACMG/AMP sequence variant interpretation guidelines (Richards et al. 2015 PMID: 25741868, with internal and published modifications).

NM_145117.5(NAV2):c.2698C>T (p.Pro900Ser)

Gene: NAV2 (neuron navigator 2; plus strand). Cytogenetic location: 11p15.1.
Variant type: single nucleotide variant.
Coding change: c.2698C>T on transcript NM_145117.5 (MANE Select); coding-DNA position 2698, C replaced by T.
Protein change: p.Pro900Ser; replaces proline 900 with serine.
Molecular consequence: missense variant.
Genome position (GRCh38, 1-based): chr11:19,984,177, C>T. VCF-style: chr11-19984177-C-T. GRCh37 (hg19) VCF-style: chr11-20005723-C-T.
Other names: c.2506C>T, p.Pro836Ser (NM_001111018.2); c.2767C>T, p.Pro923Ser (NM_001244963.2); c.2698C>T, p.Pro900Ser (NM_182964.6); short protein forms P836S, P900S, P923S.
Identifiers: ClinVar variation 2641680 (VCV002641680.25), dbSNP rs149569637, ClinGen allele CA5918231.
Genomic context (GRCh38, chr11:19,984,177, plus strand): 5'-TTTTAAAGATACATGACTGATGGTGGACTTGGCCTCTATACCCGTCGCCTGAACCGGCTC[C>T]CTGATGGGATGGCTGTGGTACGGGAGACCCTGCAACGAAATACCTCCCTGGGCCTCGGAG-3'
Protein context (NP_660093.2, residues 890-910): GLYTRRLNRL[Pro900Ser]DGMAVVRETL